The following is an entry in ClinVar:

ClinVar aggregate classification (germline): Uncertain significance. Review status: criteria provided, multiple submitters, no conflicts (2 of 4 stars). 2 submissions from 2 submitters: Uncertain significance (2). Last evaluated 2023-09-04.

Submissions (2):

Labcorp Genetics (formerly Invitae), Labcorp
Classification: Uncertain significance. Last evaluated: 2023-09-04. Review status: criteria provided, single submitter. Criteria: Invitae Variant Classification Sherloc (09022015). Collection method: clinical testing. Allele origin: germline.
Comment: In summary, the available evidence is currently insufficient to determine the role of this variant in disease. Therefore, it has been classified as a Variant of Uncertain Significance. An algorithm developed to predict the effect of missense changes on protein structure and function (PolyPhen-2) suggests that this variant is likely to be tolerated. This sequence change replaces serine, which is neutral and polar, with isoleucine, which is neutral and non-polar, at codon 1238 of the POLE protein (p.Ser1238Ile). This variant is not present in population databases (gnomAD no frequency). This variant has not been reported in the literature in individuals affected with POLE-related conditions. ClinVar contains an entry for this variant (Variation ID: 2093002).

GeneDx
Classification: Uncertain significance. Last evaluated: 2022-11-29. Review status: criteria provided, single submitter. Criteria: GeneDx Variant Classification Process June 2021. Collection method: clinical testing. Allele origin: germline. Affected: yes.
Comment: Not observed at significant frequency in large population cohorts (gnomAD); In silico analysis supports that this missense variant has a deleterious effect on protein structure/function; Has not been previously published as pathogenic or benign to our knowledge

NM_006231.4(POLE):c.3713G>T (p.Ser1238Ile)

Gene: POLE (DNA polymerase epsilon, catalytic subunit; minus strand). Cytogenetic location: 12q24.33.
Variant type: single nucleotide variant.
Coding change: c.3713G>T on transcript NM_006231.4 (MANE Select); coding-DNA position 3713, G replaced by T.
Protein change: p.Ser1238Ile; replaces serine 1238 with isoleucine.
Molecular consequence: missense variant.
Genome position (GRCh38, 1-based): chr12:132,649,759, C>A on the plus strand (G>T on the coding strand, the complement: POLE is on the minus strand). VCF-style: chr12-132649759-C-A. GRCh37 (hg19) VCF-style: chr12-133226345-C-A.
Other names: c.3713G>T (NM_006231.2); short protein forms S1238I.
Identifiers: ClinVar variation 2093002 (VCV002093002.5), dbSNP rs879255392, ClinGen allele CA387386416.